The following is an entry in ClinVar:

NM_003931.3(WASF1):c.1119T>G (p.Ala373=)

Gene: WASF1 (WASP family member 1; minus strand). Cytogenetic location: 6q21.
Variant type: single nucleotide variant.
Coding change: c.1119T>G on transcript NM_003931.3 (MANE Select); coding-DNA position 1119, T replaced by G.
Protein change: p.Ala373=; no amino-acid change (alanine 373 retained).
Molecular consequence: synonymous variant.
Genome position (GRCh38, 1-based): chr6:110,101,991, A>C on the plus strand (T>G on the coding strand, the complement: WASF1 is on the minus strand). VCF-style: chr6-110101991-A-C. GRCh37 (hg19) VCF-style: chr6-110423194-A-C.
Other names: c.1119T>G, p.Ala373= (NM_001024934.2, NM_001024935.2, NM_001024936.2).
Identifiers: ClinVar variation 2656839 (VCV002656839.24), dbSNP rs1475753220, ClinGen allele CA451873237.

ClinVar aggregate classification (germline): Likely benign (1 of 4 stars; one submission).

Allele frequency attached by ClinVar (database versions not stated): gnomAD exomes 0.00001; gnomAD 0.00003.
gnomAD v4.1: 22 of 1,573,578 alleles (0.0014%); highest among the groups gnomAD compares: Admixed American, 0.0053%; no homozygotes.

Submission:

CeGaT Center for Human Genetics Tuebingen
Classification: Likely benign. Last evaluated: 2024-06-01. Review status: criteria provided, single submitter. Criteria: CeGaT Center For Human Genetics Tuebingen Variant Classification Criteria Version 2. Collection method: clinical testing. Allele origin: germline. Affected: yes. Observed: 2 variant alleles.
Comment: WASF1: BP4, BP7